The following is an entry in ClinVar:

NM_001366110.1(PAX4):c.761T>C (p.Ile254Thr)

Gene: PAX4 (paired box 4; minus strand). Cytogenetic location: 7q32.1.
Variant type: single nucleotide variant.
Coding change: c.761T>C on transcript NM_001366110.1 (MANE Select); coding-DNA position 761, T replaced by C.
Protein change: p.Ile254Thr; replaces isoleucine 254 with threonine.
Molecular consequence: missense variant.
Genome position (GRCh38, 1-based): chr7:127,611,955, A>G on the plus strand (T>C on the coding strand, the complement: PAX4 is on the minus strand). VCF-style: chr7-127611955-A-G. GRCh37 (hg19) VCF-style: chr7-127252009-A-G.
Other names: c.761T>C, p.Ile254Thr (NM_001366111.1); short protein forms I254T.
Identifiers: ClinVar variation 2980581 (VCV002980581.3), dbSNP rs761341133, ClinGen allele CA4467949.

ClinVar aggregate classification (germline): Uncertain significance (1 of 4 stars; one submission).

Allele frequency attached by ClinVar (database versions not stated): gnomAD exomes 0.00002; TOPMed 0.00003; ExAC 0.00008.
gnomAD v4.1: 23 of 1,614,120 alleles (0.0014%); highest among the groups gnomAD compares: Admixed American, 0.035%; no homozygotes.

Submission:

Labcorp Genetics (formerly Invitae), Labcorp
Classification: Uncertain significance. Last evaluated: 2024-06-22. Review status: criteria provided, single submitter. Criteria: Invitae Variant Classification Sherloc (09022015). Collection method: clinical testing. Allele origin: germline.
Comment: This sequence change replaces isoleucine, which is neutral and non-polar, with threonine, which is neutral and polar, at codon 246 of the PAX4 protein (p.Ile246Thr). This variant is present in population databases (rs761341133, gnomAD 0.06%), and has an allele count higher than expected for a pathogenic variant. This variant has not been reported in the literature in individuals affected with PAX4-related conditions. Algorithms developed to predict the effect of missense changes on protein structure and function output the following: SIFT: "Not Available"; PolyPhen-2: "Benign"; Align-GVGD: "Not Available". The threonine amino acid residue is found in multiple mammalian species, which suggests that this missense change does not adversely affect protein function. In summary, the available evidence is currently insufficient to determine the role of this variant in disease. Therefore, it has been classified as a Variant of Uncertain Significance.